The following is an entry in ClinVar:

ClinVar aggregate classification (germline): Uncertain significance (1 of 4 stars; one submission).

Conditions:
Progressive myoclonic epilepsy type 7. Identifiers: Orphanet 435438, MedGen C4015420, MONDO:0014521, OMIM 616187.

Allele frequency attached by ClinVar (database versions not stated): gnomAD exomes below 0.00001.
gnomAD v4.1: 1 of 1,614,140 alleles (0.000062%); highest among the groups gnomAD compares: South Asian, 0.0011%; no homozygotes.

Submission:

Labcorp Genetics (formerly Invitae), Labcorp
Classification: Uncertain significance for Progressive myoclonic epilepsy type 7. Last evaluated: 2023-03-24. Review status: criteria provided, single submitter. Criteria: Invitae Variant Classification Sherloc (09022015). Collection method: clinical testing. Allele origin: germline.
Comment: This sequence change replaces isoleucine, which is neutral and non-polar, with valine, which is neutral and non-polar, at codon 248 of the KCNC1 protein (p.Ile248Val). This variant is present in population databases (no rsID available, gnomAD 0.003%). This variant has not been reported in the literature in individuals affected with KCNC1-related conditions. Advanced modeling of protein sequence and biophysical properties (such as structural, functional, and spatial information, amino acid conservation, physicochemical variation, residue mobility, and thermodynamic stability) performed at Invitae indicates that this missense variant is not expected to disrupt KCNC1 protein function. In summary, the available evidence is currently insufficient to determine the role of this variant in disease. Therefore, it has been classified as a Variant of Uncertain Significance.

NM_001112741.2(KCNC1):c.742A>G (p.Ile248Val)

Gene: KCNC1 (potassium voltage-gated channel subfamily C member 1; plus strand). Cytogenetic location: 11p15.1.
Variant type: single nucleotide variant.
Coding change: c.742A>G on transcript NM_001112741.2 (MANE Select); coding-DNA position 742, A replaced by G.
Protein change: p.Ile248Val; replaces isoleucine 248 with valine.
Molecular consequence: missense variant.
Genome position (GRCh38, 1-based): chr11:17,771,836, A>G. VCF-style: chr11-17771836-A-G. GRCh37 (hg19) VCF-style: chr11-17793383-A-G.
Other names: c.742A>G, p.Ile248Val (NM_004976.4); short protein forms I248V.
Identifiers: ClinVar variation 2849103 (VCV002849103.3), dbSNP rs1429514588, ClinGen allele CA379806111.